The following is an entry in ClinVar:

NM_030787.4(CFHR5):c.646_647inv (p.Asn216Phe)

Gene: CFHR5 (complement factor H related 5; plus strand). Cytogenetic location: 1q31.3.
Variant type: Inversion.
Coding change: c.646_647inv on transcript NM_030787.4 (MANE Select).
Protein change: p.Asn216Phe; replaces asparagine 216 with phenylalanine.
Molecular consequence: missense variant.
Genome position: GRCh38 VCF-style: chr1-196995755-AA-TT. GRCh37 (hg19) VCF-style: chr1-196964885-AA-TT.
Other names: c.646_647delAAinsTT (NM_030787.3); c.646_647delinsTT (NM_030787.4); short protein forms N216F.
Identifiers: ClinVar variation 449557 (VCV000449557.8), ClinGen allele CA658656981.

ClinVar aggregate classification (germline): Uncertain significance. Review status: criteria provided, multiple submitters, no conflicts (2 of 4 stars). 5 submissions from 5 submitters: Uncertain significance (5). Last evaluated 2025-09-09.

Conditions:
CFHR5 deficiency. Identifiers: MedGen C3553720.

Submissions (5):

Labcorp Genetics (formerly Invitae), Labcorp
Classification: Uncertain significance. Last evaluated: 2025-09-09. Review status: criteria provided, single submitter. Criteria: Invitae Variant Classification Sherloc (09022015). Collection method: clinical testing. Allele origin: germline.
Comment: This sequence change replaces asparagine, which is neutral and polar, with phenylalanine, which is neutral and non-polar, at codon 216 of the CFHR5 protein (p.Asn216Phe). This variant is present in population databases (no rsID available, gnomAD 0.001%). This missense change has been observed in individual(s) with C3 glomerulonephritis (PMID: 22673887). ClinVar contains an entry for this variant (Variation ID: 449557). An algorithm developed to predict the effect of missense changes on protein structure and function (PolyPhen-2) suggests that this variant is likely to be disruptive. In summary, the available evidence is currently insufficient to determine the role of this variant in disease. Therefore, it has been classified as a Variant of Uncertain Significance.

Genome-Nilou Lab
Classification: Uncertain significance for C3 glomerulonephritis. Last evaluated: 2023-04-11. Review status: criteria provided, single submitter. Criteria: ACMG Guidelines, 2015. Collection method: clinical testing. Allele origin: germline. Affected: no.

Fulgent Genetics
Classification: Uncertain significance for C3 glomerulonephritis. Last evaluated: 2022-04-12. Review status: criteria provided, single submitter. Criteria: ACMG Guidelines, 2015. Collection method: clinical testing. Allele origin: unknown.

Blueprint Genetics
Classification: Uncertain significance. Last evaluated: 2020-12-27. Review status: criteria provided, single submitter. Criteria: ACMG Guidelines, 2015. Collection method: clinical testing. Allele origin: germline.

GeneDx
Classification: Uncertain significance. Last evaluated: 2017-06-23. Review status: criteria provided, single submitter. Criteria: GeneDx Variant Classification (06012015). Collection method: clinical testing. Allele origin: germline. Affected: yes.
Comment: The c.646_647delAAinsTT variant in the CFHR5 gene has been reported previously in an individual with glomerulonephritis, however in vitro functional studies were not included (Sethi et al., 2012). The c.646_647delAAinsTT variant caused an in-frame substitution of one amnio acid, denoted p.Asn216Phe. The c.646_647delAAinsTT variant is not observed in large population cohorts (Lek et al., 2016; 1000 Genomes Consortium et al., 2015; Exome Variant Server). This variant is a non-conservative amino acid substitution, which is likely to impact secondary protein structure as these residues differ in polarity, charge, size and/or other properties. This substitution occurs at a position that is conserved in mammals. In silico analysis is inconsistent in its predictions as to whether or not the variant is damaging to the protein structure/function. We interpret c.646_647delAAinsTT as a variant of uncertain significance.

Literature cited by the submitters: PubMed 22673887 (cited by Labcorp Genetics (formerly Invitae), Labcorp).